The following is an entry in ClinVar:

NM_152468.5(TMC8):c.746C>T (p.Ser249Leu)

Gene: TMC8 (transmembrane channel like 8; plus strand). Cytogenetic location: 17q25.3.
Variant type: single nucleotide variant.
Coding change: c.746C>T on transcript NM_152468.5 (MANE Select); coding-DNA position 746, C replaced by T.
Protein change: p.Ser249Leu; replaces serine 249 with leucine.
Molecular consequence: missense variant.
Genome position (GRCh38, 1-based): chr17:78,133,930, C>T. VCF-style: chr17-78133930-C-T. GRCh37 (hg19) VCF-style: chr17-76130011-C-T.
Other names: short protein forms S249L.
Identifiers: ClinVar variation 936591 (VCV000936591.7), dbSNP rs1213988715, ClinGen allele CA401244097.

ClinVar aggregate classification (germline): Uncertain significance. Review status: criteria provided, multiple submitters, no conflicts (2 of 4 stars). 2 submissions from 2 submitters: Uncertain significance (2). Last evaluated 2025-02-25.

Conditions:
Inborn genetic diseases. Identifiers: MedGen C0950123, MeSH D030342.
Epidermodysplasia verruciformis. Identifiers: Orphanet 302, MedGen C0014522, MONDO:0009176.

Allele frequency attached by ClinVar (database versions not stated): gnomAD exomes below 0.00001; gnomAD 0.00001; TOPMed 0.00001.

Submissions (2):

Ambry Genetics
Classification: Uncertain significance for Inborn genetic diseases. Last evaluated: 2025-02-25. Review status: criteria provided, single submitter. Criteria: Ambry Variant Classification Scheme 2023. Collection method: clinical testing. Allele origin: germline.

Labcorp Genetics (formerly Invitae), Labcorp
Classification: Uncertain significance for Epidermodysplasia verruciformis. Last evaluated: 2022-05-10. Review status: criteria provided, single submitter. Criteria: Invitae Variant Classification Sherloc (09022015). Collection method: clinical testing. Allele origin: germline.
Comment: Algorithms developed to predict the effect of missense changes on protein structure and function are either unavailable or do not agree on the potential impact of this missense change (SIFT: "Deleterious"; PolyPhen-2: "Possibly Damaging"; Align-GVGD: "Class C0"). ClinVar contains an entry for this variant (Variation ID: 936591). This variant has not been reported in the literature in individuals affected with TMC8-related conditions. This variant is not present in population databases (gnomAD no frequency). This sequence change replaces serine, which is neutral and polar, with leucine, which is neutral and non-polar, at codon 249 of the TMC8 protein (p.Ser249Leu). In summary, the available evidence is currently insufficient to determine the role of this variant in disease. Therefore, it has been classified as a Variant of Uncertain Significance.